The following is an entry in ClinVar:

NM_080764.4(ZNF280B):c.1149A>G (p.Glu383=)

Genes: IGL (immunoglobulin lambda locus; plus strand), ZNF280B (zinc finger protein 280B; minus strand). Cytogenetic location: 22q11.22.
Variant type: single nucleotide variant.
Coding change: c.1149A>G on transcript NM_080764.4 (MANE Select); coding-DNA position 1149, A replaced by G.
Protein change: p.Glu383=; no amino-acid change (glutamic acid 383 retained).
Molecular consequence: synonymous variant. On other transcripts: non-coding transcript variant (1).
Genome position (GRCh38, 1-based): chr22:22,488,250, T>C on the plus strand (A>G on the coding strand, the complement: ZNF280B is on the minus strand). VCF-style: chr22-22488250-T-C. GRCh37 (hg19) VCF-style: chr22-22842575-T-C.
Identifiers: ClinVar variation 4872770 (VCV004872770.2).

ClinVar aggregate classification (germline): Likely benign (1 of 4 stars; one submission).

Submission:

CeGaT Center for Human Genetics Tuebingen
Classification: Likely benign. Last evaluated: 2026-05-01. Review status: criteria provided, single submitter. Criteria: CeGaT Center For Human Genetics Tuebingen Variant Classification Criteria Version 2. Collection method: clinical testing. Allele origin: germline. Affected: yes. Observed: 1 variant allele.
Comment: ZNF280B: PM2:Supporting, BP4, BP7